The following is an entry in ClinVar:

ClinVar aggregate classification (germline): Likely benign. Review status: criteria provided, multiple submitters, no conflicts (2 of 4 stars). 2 submissions from 2 submitters: Likely benign (2). Last evaluated 2025-05-02.

Conditions:
Wilms tumor 1 (WT1). Also called: Wilms tumor, somatic. Identifiers: Orphanet 654, MedGen CN033288, MONDO:0008679, OMIM 194070.
Inborn genetic diseases. Identifiers: MedGen C0950123, MeSH D030342.

gnomAD v4.1: 1 of 1,529,610 alleles (0.000065%); highest among the groups gnomAD compares: African/African-American, 0.0014%; no homozygotes.

Submissions (2):

Ambry Genetics
Classification: Likely benign for Inborn genetic diseases. Last evaluated: 2025-05-02. Review status: criteria provided, single submitter. Criteria: Ambry Variant Classification Scheme 2023. Collection method: clinical testing. Allele origin: germline.

All of Us Research Program, National Institutes of Health
Classification: Likely benign for Wilms tumor 1. Last evaluated: 2024-07-29. Review status: criteria provided, single submitter. Criteria: ACMG Guidelines, 2015. Collection method: clinical testing. Allele origin: germline. Inheritance: Autosomal dominant inheritance. Observed: 1 variant allele, 1 heterozygote.
Comment: This study involves interpretation of variants in research participants for the purpose of population health screening. Participant phenotype was not available at the time of variant classification. Additional details can be found in publication PMID: 35346344, PMCID: PMC8962531

NM_024426.6(WT1):c.165T>G (p.Ala55=)

Genes: WT1 (WT1 transcription factor; minus strand), LOC107982234 (WT1/WT1-AS bi-directional promoter region; plus strand). Cytogenetic location: 11p13.
Variant type: single nucleotide variant.
Coding change: c.165T>G on transcript NM_024426.6 (MANE Select); coding-DNA position 165, T replaced by G.
Protein change: p.Ala55=; no amino-acid change (alanine 55 retained).
Molecular consequence: synonymous variant. On other transcripts: 5 prime UTR variant (4), non-coding transcript variant (2).
Genome position (GRCh38, 1-based): chr11:32,435,196, A>C on the plus strand (T>G on the coding strand, the complement: WT1 is on the minus strand). VCF-style: chr11-32435196-A-C. GRCh37 (hg19) VCF-style: chr11-32456742-A-C.
Other names: c.165T>G, p.Ala55= (NM_000378.6, NM_001407044.1, NM_001407045.1 and 6 more transcripts); c.-55T>G (NM_001429031.1, NM_001429032.1, NM_001429033.1 and 1 more transcripts); c.150T>G (NM_024426.4).
Identifiers: ClinVar variation 3386210 (VCV003386210.2).